The following is an entry in ClinVar:

NM_001201543.2(FAM161A):c.468A>G (p.Thr156=)

Gene: FAM161A (FAM161 centrosomal protein A; minus strand). Cytogenetic location: 2p15.
Variant type: single nucleotide variant.
Coding change: c.468A>G on transcript NM_001201543.2 (MANE Select); coding-DNA position 468, A replaced by G.
Protein change: p.Thr156=; no amino-acid change (threonine 156 retained).
Molecular consequence: synonymous variant.
Genome position (GRCh38, 1-based): chr2:61,840,536, T>C on the plus strand (A>G on the coding strand, the complement: FAM161A is on the minus strand). VCF-style: chr2-61840536-T-C. GRCh37 (hg19) VCF-style: chr2-62067671-T-C.
Other names: c.468A>G, p.Thr156= (NM_032180.3).
Identifiers: ClinVar variation 754360 (VCV000754360.12), dbSNP rs372171263, ClinGen allele CA1679347.

ClinVar aggregate classification (germline): Likely benign. Review status: criteria provided, multiple submitters, no conflicts (2 of 4 stars). 3 submissions from 3 submitters: Likely benign (3). Last evaluated 2025-06-24.

Conditions:
FAM161A-related disorder. Also called: FAM161A-related condition.

Allele frequency attached by ClinVar (database versions not stated): gnomAD 0.00003 and 0.00004; gnomAD exomes 0.00004 and 0.00002; TOPMed 0.00004; ExAC 0.00006; ESP Exome Variant Server 0.00017.
gnomAD v4.1: 37 of 1,613,690 alleles (0.0023%); highest among the groups gnomAD compares: Non-Finnish European, 0.0031%; no homozygotes.

Submissions (3):

PreventionGenetics, part of Exact Sciences
Classification: Likely benign for FAM161A-related condition. Last evaluated: 2025-06-24. Review status: criteria provided, single submitter. Criteria: ACMG Guidelines, 2015. Collection method: clinical testing. Allele origin: germline.
Comment: This variant is classified as likely benign based on ACMG/AMP sequence variant interpretation guidelines (Richards et al. 2015 PMID: 25741868, with internal and published modifications).

Labcorp Genetics (formerly Invitae), Labcorp
Classification: Likely benign. Last evaluated: 2025-01-15. Review status: criteria provided, single submitter. Criteria: Invitae Variant Classification Sherloc (09022015). Collection method: clinical testing. Allele origin: germline.

Blueprint Genetics
Classification: Likely benign. Last evaluated: 2023-12-22. Review status: criteria provided, single submitter. Criteria: ACMG Guidelines, 2015. Collection method: clinical testing. Allele origin: germline.